The following is an entry in ClinVar:

ClinVar aggregate classification (germline): Uncertain significance. Review status: criteria provided, multiple submitters, no conflicts (2 of 4 stars). 2 submissions from 2 submitters: Uncertain significance (2). Last evaluated 2022-10-06.

Conditions:
Inborn genetic diseases. Identifiers: MedGen C0950123, MeSH D030342.

Allele frequency attached by ClinVar (database versions not stated): TOPMed below 0.00001; gnomAD exomes 0.00001; ExAC 0.00002; ESP Exome Variant Server 0.00008.
gnomAD v4.1: 15 of 1,613,730 alleles (0.00093%); highest among the groups gnomAD compares: Non-Finnish European, 0.0013%; no homozygotes.

Submissions (2):

Ambry Genetics
Classification: Uncertain significance for Inborn genetic diseases. Last evaluated: 2022-10-06. Review status: criteria provided, single submitter. Criteria: Ambry Variant Classification Scheme 2023. Collection method: clinical testing. Allele origin: germline.

Labcorp Genetics (formerly Invitae), Labcorp
Classification: Uncertain significance. Last evaluated: 2022-07-02. Review status: criteria provided, single submitter. Criteria: Invitae Variant Classification Sherloc (09022015). Collection method: clinical testing. Allele origin: germline.
Comment: In summary, the available evidence is currently insufficient to determine the role of this variant in disease. Therefore, it has been classified as a Variant of Uncertain Significance. Algorithms developed to predict the effect of missense changes on protein structure and function are either unavailable or do not agree on the potential impact of this missense change (SIFT: "Tolerated"; PolyPhen-2: "Not Available"; Align-GVGD: "Class C0"). This variant has not been reported in the literature in individuals affected with ASXL2-related conditions. This variant is present in population databases (rs376428946, gnomAD 0.007%). This sequence change replaces lysine, which is basic and polar, with glutamine, which is neutral and polar, at codon 176 of the ASXL2 protein (p.Lys176Gln).

NM_018263.6(ASXL2):c.526A>C (p.Lys176Gln)

Gene: ASXL2 (ASXL transcriptional regulator 2; minus strand). Cytogenetic location: 2p23.3.
Variant type: single nucleotide variant.
Coding change: c.526A>C on transcript NM_018263.6 (MANE Select); coding-DNA position 526, A replaced by C.
Protein change: p.Lys176Gln; replaces lysine 176 with glutamine.
Molecular consequence: missense variant. On other transcripts: 5 prime UTR variant (1).
Genome position (GRCh38, 1-based): chr2:25,768,847, T>G on the plus strand (A>C on the coding strand, the complement: ASXL2 is on the minus strand). VCF-style: chr2-25768847-T-G. GRCh37 (hg19) VCF-style: chr2-25991716-T-G.
Other names: c.352A>C, p.Lys118Gln (NM_001369346.1); c.-255A>C (NM_001369347.1); short protein forms K176Q, K118Q.
Identifiers: ClinVar variation 1944372 (VCV001944372.6), dbSNP rs376428946, ClinGen allele CA1558022.
Genomic context (GRCh38, chr2:25,768,847, plus strand): 5'-GTGAGAGATGCTGGTTGGAGGAGATGGATATGCTTGGCCTGCATTGCTGCTGCTGCTTCT[T>G]CTGCTGTTGCTGCTTTAGCGCCTATAAAGATAAAACAGACTATAAGAAACAAAACCAATC-3'
Protein context (NP_060733.4, residues 166-186): LKQALKQQQQ[Lys176Gln]KQQQQCRPSI